The following is an entry in ClinVar:

ClinVar aggregate classification (germline): Uncertain significance (1 of 4 stars; one submission).

Allele frequency attached by ClinVar (database versions not stated): gnomAD exomes below 0.00001.

Submission:

Labcorp Genetics (formerly Invitae), Labcorp
Classification: Uncertain significance. Last evaluated: 2022-03-12. Review status: criteria provided, single submitter. Criteria: Invitae Variant Classification Sherloc (09022015). Collection method: clinical testing. Allele origin: germline.
Comment: This sequence change creates a premature translational stop signal (p.Thr445Aspfs*3) in the PRPF6 gene. It is expected to result in an absent or disrupted protein product. However, the current clinical and genetic evidence is not sufficient to establish whether loss-of-function variants in PRPF6 cause disease. This variant is not present in population databases (gnomAD no frequency). This variant has not been reported in the literature in individuals affected with PRPF6-related conditions. In summary, the available evidence is currently insufficient to determine the role of this variant in disease. Therefore, it has been classified as a Variant of Uncertain Significance.

NM_012469.4(PRPF6):c.1332dup (p.Thr445fs)

Gene: PRPF6 (pre-mRNA processing factor 6; plus strand). Cytogenetic location: 20q13.33.
Variant type: Duplication.
Coding change: c.1332dup on transcript NM_012469.4 (MANE Select); coding-DNA position 1332, one base duplicated (G; older notation c.1332dupG).
Protein change: p.Thr445fs; shifts the reading frame from threonine 445.
Molecular consequence: frameshift variant.
Genome position (GRCh38, 1-based): chr20:64,011,311, G duplicated. VCF-style (leftmost placement, unchanged base first): chr20-64011310-A-AG. GRCh37 (hg19) VCF-style: chr20-62642663-A-AG.
Other names: short protein forms T445fs.
Identifiers: ClinVar variation 1898796 (VCV001898796.5), dbSNP rs2517635290, ClinGen allele CA2580098480.